The following is an entry in ClinVar:

NM_024577.4(SH3TC2):c.3472dup (p.Val1158fs)

Gene: SH3TC2 (SH3 domain and tetratricopeptide repeats 2; minus strand). Cytogenetic location: 5q32.
Variant type: Duplication.
Coding change: c.3472dup on transcript NM_024577.4 (MANE Select); coding-DNA position 3472, one base duplicated (G; older notation c.3472dupG).
Protein change: p.Val1158fs; shifts the reading frame from valine 1158.
Molecular consequence: frameshift variant.
Genome position (GRCh38, 1-based): chr5:149,008,857, C duplicated on the plus strand (G on the coding strand, the reverse complement: SH3TC2 is on the minus strand). VCF-style (leftmost placement, unchanged base first): chr5-149008856-A-AC. GRCh37 (hg19) VCF-style: chr5-148388419-A-AC.
Other names: c.3472dupG (NM_024577.4); short protein forms V1158fs.
Identifiers: ClinVar variation 1698706 (VCV001698706.4), dbSNP rs2127392454, ClinGen allele CA2580073832.

ClinVar aggregate classification (germline): Likely pathogenic. Review status: criteria provided, multiple submitters, no conflicts (2 of 4 stars). 2 submissions from 2 submitters: Likely pathogenic (2). Last evaluated 2024-04-09.

Conditions:
Charcot-Marie-Tooth disease type 4C (CMT4C). Also called: CHARCOT-MARIE-TOOTH DISEASE, DEMYELINATING, AUTOSOMAL RECESSIVE, TYPE 4C; CMT 4C; Charcot-Marie-Tooth Neuropathy Type 4C (CMT4C); CHARCOT-MARIE-TOOTH DISEASE, DEMYELINATING, TYPE 4C; SH3TC2-Related Hereditary Motor and Sensory Neuropathy. Identifiers: Orphanet 99949, MedGen C1866636, MONDO:0011113, OMIM 601596.
Susceptibility to mononeuropathy of the median nerve, mild. Also called: CARPAL TUNNEL SYNDROME, SUSCEPTIBILITY TO. Identifiers: MedGen C3150596, MONDO:0013237, OMIM 613353.

Submissions (2):

Fulgent Genetics
Classification: Likely pathogenic for Charcot-Marie-Tooth disease type 4C; Susceptibility to mononeuropathy of the median nerve, mild. Last evaluated: 2024-04-09. Review status: criteria provided, single submitter. Criteria: ACMG Guidelines, 2015. Collection method: clinical testing. Allele origin: germline.

Genetics Laboratory, Department of Biology, Semnan University
Classification: Likely pathogenic for Charcot-Marie-Tooth disease type 4C. Last evaluated: 2018-06-06. Review status: criteria provided, single submitter. Criteria: ACMG Guidelines, 2015. Collection method: case-control. Allele origin: inherited. Inheritance: Autosomal recessive inheritance. Affected: yes. Observed: 1 homozygote.
Comment: The WES analysis identified a frameshift mutation in the SH3TC2 gene on chromosome5 (NM_024577.4); chr5:149008856dupG c.3472dupG:p.V1158fs. The mutation was predicted to be likely pathogenic based on ACMG guidelines. Our review of the public resources, local population database, and the literature revealed that there is no previous publication describing this mutation.